The following is an entry in ClinVar:

NM_020937.4(FANCM):c.3064T>G (p.Phe1022Val)

Gene: FANCM (FA complementation group M; plus strand). Cytogenetic location: 14q21.2.
Variant type: single nucleotide variant.
Coding change: c.3064T>G on transcript NM_020937.4 (MANE Select); coding-DNA position 3064, T replaced by G.
Protein change: p.Phe1022Val; replaces phenylalanine 1022 with valine.
Molecular consequence: missense variant.
Genome position (GRCh38, 1-based): chr14:45,175,818, T>G. VCF-style: chr14-45175818-T-G. GRCh37 (hg19) VCF-style: chr14-45645021-T-G.
Other names: c.2986T>G, p.Phe996Val (NM_001308133.2); short protein forms F1022V, F996V.
Identifiers: ClinVar variation 3848570 (VCV003848570.1).

ClinVar aggregate classification (germline): Uncertain significance (1 of 4 stars; one submission).

Conditions:
Inborn genetic diseases. Identifiers: MedGen C0950123, MeSH D030342.

Submission:

Ambry Genetics
Classification: Uncertain significance for Inborn genetic diseases. Last evaluated: 2025-01-03. Review status: criteria provided, single submitter. Criteria: Ambry Variant Classification Scheme 2023. Collection method: clinical testing. Allele origin: germline.
Comment: The p.F1022V variant (also known as c.3064T>G), located in coding exon 14 of the FANCM gene, results from a T to G substitution at nucleotide position 3064. The phenylalanine at codon 1022 is replaced by valine, an amino acid with highly similar properties. This amino acid position is conserved. In addition, this alteration is predicted to be tolerated by in silico analysis. Based on the available evidence, the clinical significance of this variant remains unclear.